The following is an entry in ClinVar:

NM_002016.2(FLG):c.2131_2137dup (p.Gln713fs)

Genes: CCDST (cervical cancer associated DHX9 suppressive transcript; plus strand), FLG (filaggrin; minus strand). Cytogenetic location: 1q21.3.
Variant type: Duplication.
Coding change: c.2131_2137dup on transcript NM_002016.2 (MANE Select); coding-DNA positions 2131 to 2137, 7 bases duplicated (CGCCACC; older notation c.2131_2137dupCGCCACC).
Protein change: p.Gln713fs; shifts the reading frame from glutamine 713.
Molecular consequence: frameshift variant.
Genome position (GRCh38, 1-based): chr1:152,312,749-152,312,755, GGTGGCG duplicated on the plus strand (CGCCACC on the coding strand, the reverse complement: FLG is on the minus strand); duplicating any 7 consecutive bases within chr1:152,312,749-152,312,757 gives the same sequence; the c. name uses the placement nearest the transcript's 3' end. VCF-style (leftmost placement, unchanged base first): chr1-152312748-T-TGGTGGCG. GRCh37 (hg19) VCF-style: chr1-152285224-T-TGGTGGCG.
Other names: short protein forms Q713fs.
Identifiers: ClinVar variation 1322921 (VCV001322921.4), dbSNP rs1557880662, ClinGen allele CA526662272.

ClinVar aggregate classification (germline): Pathogenic (1 of 4 stars; one submission).

Submission:

GeneDx
Classification: Pathogenic. Last evaluated: 2024-09-23. Review status: criteria provided, single submitter. Criteria: GeneDx Variant Classification Process June 2021. Collection method: clinical testing. Allele origin: germline.
Comment: Frameshift variant predicted to result in abnormal protein length as the last 3349 amino acids are replaced with 34 different amino acids, and other similar variants have been reported in HGMD; Has not been previously published as pathogenic or benign to our knowledge; Not observed at significant frequency in large population cohorts (gnomAD); This variant is associated with the following publications: (PMID: 24077912, 16444271)